The following is an entry in ClinVar:

ClinVar aggregate classification (germline): Likely pathogenic. Review status: criteria provided, multiple submitters, no conflicts (2 of 4 stars). 3 submissions from 3 submitters: Likely pathogenic (3). Last evaluated 2025-07-05.

Conditions:
Hereditary cancer-predisposing syndrome. Also called: Hereditary Cancer Syndrome; Hereditary neoplastic syndrome; Neoplastic Syndromes, Hereditary; Tumor predisposition. Identifiers: Orphanet 140162, MedGen C0027672, MeSH D009386, MONDO:0015356.
Familial adenomatous polyposis 4 (FAP4). Also called: MSH3-related attenuated familial adenomatous polyposis. Identifiers: Orphanet 480536, MedGen C4310719, MONDO:0044300, OMIM 617100.

Allele frequency attached by ClinVar (database versions not stated): gnomAD exomes below 0.00001.
gnomAD v4.1: 2 of 1,515,434 alleles (0.00013%); highest among the groups gnomAD compares: South Asian, 0.0011%; no homozygotes.

Submissions (3):

Ambry Genetics
Classification: Likely pathogenic for Hereditary cancer-predisposing syndrome. Last evaluated: 2025-07-05. Review status: criteria provided, single submitter. Criteria: Ambry Variant Classification Scheme 2023. Collection method: clinical testing. Allele origin: germline.
Comment: The c.1568+1G>C intronic variant results from a G to C substitution one nucleotide after coding exon 10 of the MSH3 gene. This variant is considered to be rare based on population cohorts in the Genome Aggregation Database (gnomAD). This nucleotide position is highly conserved in available vertebrate species. In silico splice site analysis predicts that this alteration will weaken the native splice donor site; however, direct evidence is insufficient at this time (Ambry internal data). Alterations that disrupt the canonical splice site are expected to cause aberrant splicing, resulting in an abnormal protein or a transcript that is subject to nonsense-mediated mRNA decay. As such, this alteration is classified as likely pathogenic.

Myriad Genetics, Inc.
Classification: Likely pathogenic for Familial adenomatous polyposis 4. Last evaluated: 2023-08-03. Review status: criteria provided, single submitter. Criteria: Myriad Autosomal Dominant, Autosomal Recessive and X-Linked Classification Criteria (2023). Collection method: clinical testing. Allele origin: unknown.
Comment: This variant is considered likely pathogenic. This variant occurs within a consensus splice junction and is predicted to result in abnormal mRNA splicing of either an out-of-frame exon or an in-frame exon necessary for protein stability and/or normal function.

Labcorp Genetics (formerly Invitae), Labcorp
Classification: Likely pathogenic. Last evaluated: 2023-07-14. Review status: criteria provided, single submitter. Criteria: Invitae Variant Classification Sherloc (09022015). Collection method: clinical testing. Allele origin: germline.
Comment: ClinVar contains an entry for this variant (Variation ID: 1775409). Algorithms developed to predict the effect of sequence changes on RNA splicing suggest that this variant may disrupt the consensus splice site. In summary, the currently available evidence indicates that the variant is pathogenic, but additional data are needed to prove that conclusively. Therefore, this variant has been classified as Likely Pathogenic. This variant has not been reported in the literature in individuals affected with MSH3-related conditions. This sequence change affects a donor splice site in intron 10 of the MSH3 gene. It is expected to disrupt RNA splicing. Variants that disrupt the donor or acceptor splice site typically lead to a loss of protein function (PMID: 16199547), and loss-of-function variants in MSH3 are known to be pathogenic (PMID: 27476653). This variant is not present in population databases (gnomAD no frequency).

Literature cited by the submitters: PubMed 16199547 (cited by Labcorp Genetics (formerly Invitae), Labcorp); PubMed 27476653 (cited by Labcorp Genetics (formerly Invitae), Labcorp).

NM_002439.5(MSH3):c.1568+1G>C

Gene: MSH3 (mutS homolog 3; plus strand). Cytogenetic location: 5q14.1.
Variant type: single nucleotide variant.
Coding change: c.1568+1G>C on transcript NM_002439.5 (MANE Select); the canonical splice donor site of the intron after coding-DNA position 1568, G replaced by C.
Molecular consequence: splice donor variant.
Genome position (GRCh38, 1-based): chr5:80,728,966, G>C. VCF-style: chr5-80728966-G-C. GRCh37 (hg19) VCF-style: chr5-80024785-G-C.
Identifiers: ClinVar variation 1775409 (VCV001775409.7), dbSNP rs1580589463, ClinGen allele CA360274394.